The following is an entry in ClinVar:

NM_024675.4(PALB2):c.3375T>A (p.Asp1125Glu)

Gene: PALB2 (partner and localizer of BRCA2; minus strand). Cytogenetic location: 16p12.2.
Variant type: single nucleotide variant.
Coding change: c.3375T>A on transcript NM_024675.4 (MANE Select); coding-DNA position 3375, T replaced by A.
Protein change: p.Asp1125Glu; replaces aspartic acid 1125 with glutamic acid.
Molecular consequence: missense variant.
Genome position (GRCh38, 1-based): chr16:23,603,645, A>T on the plus strand (T>A on the coding strand, the complement: PALB2 is on the minus strand). VCF-style: chr16-23603645-A-T. GRCh37 (hg19) VCF-style: chr16-23614966-A-T.
Other names: c.3315T>A, p.Asp1105Glu (NM_001407296.1); c.3303T>A, p.Asp1101Glu (NM_001407297.1); c.3213T>A, p.Asp1071Glu (NM_001407298.1); c.3138T>A, p.Asp1046Glu (NM_001407299.1); c.3096T>A, p.Asp1032Glu (NM_001407300.1); c.*10T>A (NM_001407301.1, NM_001407302.1, NM_001407310.1 and 2 more transcripts); c.2490T>A, p.Asp830Glu (NM_001407304.1, NM_001407305.1, NM_001407306.1); c.2328T>A, p.Asp776Glu (NM_001407307.1); and 3 more; short protein forms D1046E, D529E, D830E, D1101E, D1105E, D303E, D776E, D1125E.
Identifiers: ClinVar variation 2117473 (VCV002117473.6), dbSNP rs1555457887, ClinGen allele CA395138322.

ClinVar aggregate classification (germline): Uncertain significance. Review status: criteria provided, multiple submitters, no conflicts (2 of 4 stars). 2 submissions from 2 submitters: Uncertain significance (2). Last evaluated 2022-11-23.

Conditions:
Familial cancer of breast. Also called: hereditary breast carcinoma; BREAST CANCER, FAMILIAL; Hereditary breast cancer. Identifiers: Orphanet 227535, MedGen C0346153, MONDO:0016419, OMIM 114480. Disease mechanism: loss of function.
Hereditary cancer-predisposing syndrome. Also called: Neoplastic Syndromes, Hereditary; Tumor predisposition; Hereditary Cancer Syndrome; Hereditary neoplastic syndrome. Identifiers: Orphanet 140162, MedGen C0027672, MeSH D009386, MONDO:0015356.

Submissions (2):

Ambry Genetics
Classification: Uncertain significance for Hereditary cancer-predisposing syndrome. Last evaluated: 2022-11-23. Review status: criteria provided, single submitter. Criteria: Ambry Variant Classification Scheme 2023. Collection method: clinical testing. Allele origin: germline.
Comment: The p.D1125E variant (also known as c.3375T>A), located in coding exon 13 of the PALB2 gene, results from a T to A substitution at nucleotide position 3375. The aspartic acid at codon 1125 is replaced by glutamic acid, an amino acid with highly similar properties. This amino acid position is conserved. In addition, this alteration is predicted to be tolerated by in silico analysis. Since supporting evidence is limited at this time, the clinical significance of this alteration remains unclear.

Labcorp Genetics (formerly Invitae), Labcorp
Classification: Uncertain significance for Familial cancer of breast. Last evaluated: 2022-03-26. Review status: criteria provided, single submitter. Criteria: Invitae Variant Classification Sherloc (09022015). Collection method: clinical testing. Allele origin: germline.
Comment: This variant has not been reported in the literature in individuals affected with PALB2-related conditions. In summary, the available evidence is currently insufficient to determine the role of this variant in disease. Therefore, it has been classified as a Variant of Uncertain Significance. Algorithms developed to predict the effect of missense changes on protein structure and function (SIFT, PolyPhen-2, Align-GVGD) all suggest that this variant is likely to be tolerated. This variant is not present in population databases (gnomAD no frequency). This sequence change replaces aspartic acid, which is acidic and polar, with glutamic acid, which is acidic and polar, at codon 1125 of the PALB2 protein (p.Asp1125Glu).